The following is an entry in ClinVar:

NM_014875.3(KIF14):c.3662G>T (p.Gly1221Val)

Gene: KIF14 (kinesin family member 14; minus strand). Cytogenetic location: 1q32.1.
Variant type: single nucleotide variant.
Coding change: c.3662G>T on transcript NM_014875.3 (MANE Select); coding-DNA position 3662, G replaced by T.
Protein change: p.Gly1221Val; replaces glycine 1221 with valine.
Molecular consequence: missense variant.
Genome position (GRCh38, 1-based): chr1:200,565,669, C>A on the plus strand (G>T on the coding strand, the complement: KIF14 is on the minus strand). VCF-style: chr1-200565669-C-A. GRCh37 (hg19) VCF-style: chr1-200534797-C-A.
Other names: 3662G-T; c.2189G>T, p.Gly730Val (NM_001305792.1); short protein forms G1221V, G730V.
Identifiers: ClinVar variation 503569 (VCV000503569.2), dbSNP rs981349334, ClinGen allele CA35948416.

ClinVar aggregate classification (germline): Likely pathogenic. Review status: criteria provided, single submitter (1 of 4 stars). 2 submissions from 2 submitters: Likely pathogenic (1). 1 of the submissions does not count toward it. Last evaluated 2025-05-28.

Conditions:
Microcephaly 20, primary, autosomal recessive. Identifiers: MedGen C4693572, MONDO:0054761, OMIM 617914.
Joubert syndrome and related disorders. Identifiers: Orphanet 140874, MedGen C5679612, MONDO:0015369.

Allele frequency attached by ClinVar (database versions not stated): gnomAD exomes below 0.00001.
gnomAD v4.1: 1 of 1,562,888 alleles (0.000064%); highest among the groups gnomAD compares: Non-Finnish European, 0.000086%; no homozygotes.

Submissions (2):

Women's Health and Genetics/Laboratory Corporation of America, LabCorp
Classification: Likely pathogenic for Joubert syndrome and related disorders. Last evaluated: 2025-05-28. Review status: criteria provided, single submitter. Criteria: LabCorp Variant Classification Summary - May 2015. Collection method: clinical testing. Allele origin: germline.
Comment: Variant summary: KIF14 c.3662G>T (p.Gly1221Val) results in a non-conservative amino acid change in the encoded protein sequence. Algorithms developed to predict the effect of missense changes on protein structure and function all suggest that this variant is likely to be disruptive. Several computational tools predict a significant impact on normal splicing: Two predict the variant weakens a 3' acceptor site. One predict the variant no significant impact on splicing. Three predict the variant abolishes a cryptic 3' acceptor site. At least one publication reports experimental evidence that this variant affects mRNA splicing (Moawia_2017). The frequency data for this variant in gnomAD is considered unreliable, as metrics indicate poor data quality at this position. c.3662G>T has been observed as compound heterozygous genotype in an individual affected with clinical features of Joubert Syndrome And Related Disorders (Moawia_2017). The following publication have been ascertained in the context of this evaluation (PMID: 28892560). ClinVar contains an entry for this variant (Variation ID: 503569). Based on the evidence outlined above, the variant was classified as likely pathogenic.

OMIM
Classification: Pathogenic for MICROCEPHALY 20, PRIMARY, AUTOSOMAL RECESSIVE. Last evaluated: 2018-03-28. Review status: no assertion criteria provided. Collection method: literature only. Allele origin: germline. Not counted in ClinVar's aggregate classification.

Literature cited by the submitters: PubMed 28892560 (cited by Women's Health and Genetics/Laboratory Corporation of America, LabCorp and OMIM).